The following is an entry in ClinVar:

NM_001040108.2(MLH3):c.3295T>G (p.Cys1099Gly)

Gene: MLH3 (mutL homolog 3; minus strand). Cytogenetic location: 14q24.3.
Variant type: single nucleotide variant.
Coding change: c.3295T>G on transcript NM_001040108.2 (MANE Select); coding-DNA position 3295, T replaced by G.
Protein change: p.Cys1099Gly; replaces cysteine 1099 with glycine.
Molecular consequence: missense variant.
Genome position (GRCh38, 1-based): chr14:75,042,463, A>C on the plus strand (T>G on the coding strand, the complement: MLH3 is on the minus strand). VCF-style: chr14-75042463-A-C. GRCh37 (hg19) VCF-style: chr14-75509166-A-C.
Other names: c.3295T>G, p.Cys1099Gly (NM_014381.3); short protein forms C1099G.
Identifiers: ClinVar variation 1729881 (VCV001729881.2), dbSNP rs2503221439, ClinGen allele CA390432033.

ClinVar aggregate classification (germline): Uncertain significance (1 of 4 stars; one submission).

Submission:

Ambry Genetics
Classification: Uncertain significance. Last evaluated: 2021-12-20. Review status: criteria provided, single submitter. Criteria: Ambry Variant Classification Scheme 2023. Collection method: clinical testing. Allele origin: germline.
Comment: The p.C1099G variant (also known as c.3295T>G), located in coding exon 2 of the MLH3 gene, results from a T to G substitution at nucleotide position 3295. The cysteine at codon 1099 is replaced by glycine, an amino acid with highly dissimilar properties. This amino acid position is conserved. In addition, this alteration is predicted to be deleterious by in silico analysis. Since supporting evidence is limited at this time, the clinical significance of this alteration remains unclear.